The following is an entry in ClinVar:

NM_006180.6(NTRK2):c.2274G>T (p.Val758=)

Gene: NTRK2 (neurotrophic receptor tyrosine kinase 2; plus strand). Cytogenetic location: 9q21.33.
Variant type: single nucleotide variant.
Coding change: c.2274G>T on transcript NM_006180.6 (MANE Select); coding-DNA position 2274, G replaced by T.
Protein change: p.Val758=; no amino-acid change (valine 758 retained).
Molecular consequence: synonymous variant.
Genome position (GRCh38, 1-based): chr9:85,020,307, G>T. VCF-style: chr9-85020307-G-T. GRCh37 (hg19) VCF-style: chr9-87635222-G-T.
Other names: c.2274G>T (NM_006180.4); c.2226G>T, p.Val742= (NM_001018064.3, NM_001369532.1, NM_001369533.1); c.2190G>T, p.Val730= (NM_001369534.1); c.1758G>T, p.Val586= (NM_001369535.1); c.1806G>T, p.Val602= (NM_001369536.1); c.2274G>T, p.Val758= (NM_001381928.1).
Identifiers: ClinVar variation 1960446 (VCV001960446.6), dbSNP rs907238119, ClinGen allele CA195830753.

ClinVar aggregate classification (germline): Likely benign. Review status: criteria provided, multiple submitters, no conflicts (2 of 4 stars). 2 submissions from 2 submitters: Likely benign (2). Last evaluated 2026-02-18.

Conditions:
NTRK2-related disorder. Also called: NTRK2-related condition.

Allele frequency attached by ClinVar (database versions not stated): gnomAD exomes below 0.00001; gnomAD 0.00001; TOPMed 0.00009.
gnomAD v4.1: 3 of 1,614,030 alleles (0.00019%); highest among the groups gnomAD compares: Admixed American, 0.0033%; no homozygotes.

Submissions (2):

PreventionGenetics, part of Exact Sciences
Classification: Likely benign for NTRK2-related condition. Last evaluated: 2026-02-18. Review status: criteria provided, single submitter. Criteria: ACMG Guidelines, 2015. Collection method: clinical testing. Allele origin: germline.
Comment: This variant is classified as likely benign based on ACMG/AMP sequence variant interpretation guidelines (Richards et al. 2015 PMID: 25741868, with internal and published modifications).

Labcorp Genetics (formerly Invitae), Labcorp
Classification: Likely benign. Last evaluated: 2026-01-05. Review status: criteria provided, single submitter. Criteria: Invitae Variant Classification Sherloc (09022015). Collection method: clinical testing. Allele origin: germline.